The following is an entry in ClinVar:

NM_198525.3(KIF7):c.2071C>T (p.Arg691Cys)

Gene: KIF7 (kinesin family member 7; minus strand). Cytogenetic location: 15q26.1.
Variant type: single nucleotide variant.
Coding change: c.2071C>T on transcript NM_198525.3 (MANE Select); coding-DNA position 2071, C replaced by T.
Protein change: p.Arg691Cys; replaces arginine 691 with cysteine.
Molecular consequence: missense variant.
Genome position (GRCh38, 1-based): chr15:89,645,133, G>A on the plus strand (C>T on the coding strand, the complement: KIF7 is on the minus strand). VCF-style: chr15-89645133-G-A. GRCh37 (hg19) VCF-style: chr15-90188364-G-A.
Other names: short protein forms R691C.
Identifiers: ClinVar variation 966209 (VCV000966209.12), dbSNP rs536188566, ClinGen allele CA7728341.
Genomic context (GRCh38, chr15:89,645,133, plus strand): 5'-GGATCTTCTGCTGGGCCTGGGCCAGCCGCCACTCTGAGGCTGTGGCAGGGGGGACCTGGC[G>A]GGCCTGAACTCGGGCCTTGCTCCCACCAACTGCTGCAACAGGCAGCCTGTCAAGGTTGCT-3'
Protein context (NP_940927.2, residues 681-701): VGGSKARVQA[Arg691Cys]QVPPATASEW

ClinVar aggregate classification (germline): Uncertain significance. Review status: criteria provided, multiple submitters, no conflicts (2 of 4 stars). 4 submissions from 4 submitters: Uncertain significance (4). Last evaluated 2025-12-09.

Conditions:
Acrocallosal syndrome (ACLS). Also called: HALLUX DUPLICATION, POSTAXIAL POLYDACTYLY, AND ABSENCE OF CORPUS CALLOSUM; Schinzel syndrome 1; Absence of corpus callosum with unusual facial appearance, mental deficiency, duplication of the halluces and polydactyly. Identifiers: Orphanet 36, MedGen C0796147, MONDO:0008708, OMIM 200990.
Multiple epiphyseal dysplasia, Al-Gazali type. Also called: Macrocephaly with multiple epiphyseal dysplasia and distinctive facies. Identifiers: Orphanet 166024, MedGen C1846722, MONDO:0011778, OMIM 607131.
Hydrolethalus syndrome 2 (HLS2). Identifiers: Orphanet 2189, MedGen C3279899, MONDO:0013585, OMIM 614120.
Inborn genetic diseases. Identifiers: MedGen C0950123, MeSH D030342.

Allele frequency attached by ClinVar (database versions not stated): ExAC 0.00003; gnomAD 0.00004; TOPMed 0.00005; gnomAD exomes 0.00006; 1000 Genomes Project 30x 0.00016; 1000 Genomes Project 0.00020.
gnomAD v4.1: 39 of 1,604,832 alleles (0.0024%); highest among the groups gnomAD compares: Admixed American, 0.023%; no homozygotes.

Submissions (4):

Ambry Genetics
Classification: Uncertain significance for Inborn genetic diseases. Last evaluated: 2025-12-09. Review status: criteria provided, single submitter. Criteria: Ambry Variant Classification Scheme 2023. Collection method: clinical testing. Allele origin: germline.

Women's Health and Genetics/Laboratory Corporation of America, LabCorp
Classification: Uncertain significance. Last evaluated: 2025-06-05. Review status: criteria provided, single submitter. Criteria: LabCorp Variant Classification Summary - May 2015. Collection method: clinical testing. Allele origin: germline.
Comment: Variant summary: KIF7 c.2071C>T (p.Arg691Cys) results in a non-conservative amino acid change in the encoded protein sequence. Algorithms developed to predict the effect of missense changes on protein structure and function are either unavailable or do not agree on the potential impact of this missense change. The variant allele was found at a frequency of 6.2e-05 in 243322 control chromosomes. This frequency is not significantly higher than estimated for a pathogenic variant in KIF7 causing Acrocallosal Syndrome/Joubert Syndrome 12, allowing no conclusion about variant significance. To our knowledge, no occurrence of c.2071C>T in individuals affected with Acrocallosal Syndrome/Joubert Syndrome 12 and no experimental evidence demonstrating its impact on protein function have been reported. ClinVar contains an entry for this variant (Variation ID: 966209). Based on the evidence outlined above, the variant was classified as uncertain significance.

Labcorp Genetics (formerly Invitae), Labcorp
Classification: Uncertain significance for Acrocallosal syndrome. Last evaluated: 2024-01-15. Review status: criteria provided, single submitter. Criteria: Invitae Variant Classification Sherloc (09022015). Collection method: clinical testing. Allele origin: germline.
Comment: This sequence change replaces arginine, which is basic and polar, with cysteine, which is neutral and slightly polar, at codon 691 of the KIF7 protein (p.Arg691Cys). This variant is present in population databases (rs536188566, gnomAD 0.03%). This variant has not been reported in the literature in individuals affected with KIF7-related conditions. ClinVar contains an entry for this variant (Variation ID: 966209). Advanced modeling of protein sequence and biophysical properties (such as structural, functional, and spatial information, amino acid conservation, physicochemical variation, residue mobility, and thermodynamic stability) performed at Invitae indicates that this missense variant is not expected to disrupt KIF7 protein function with a negative predictive value of 80%. In summary, the available evidence is currently insufficient to determine the role of this variant in disease. Therefore, it has been classified as a Variant of Uncertain Significance.

Fulgent Genetics
Classification: Uncertain significance for Acrocallosal syndrome; Multiple epiphyseal dysplasia, Al-Gazali type; Hydrolethalus syndrome 2. Last evaluated: 2023-12-29. Review status: criteria provided, single submitter. Criteria: ACMG Guidelines, 2015. Collection method: clinical testing. Allele origin: germline.